The following is an entry in ClinVar:

ClinVar aggregate classification (germline): Uncertain significance. Review status: criteria provided, multiple submitters, no conflicts (2 of 4 stars). 2 submissions from 2 submitters: Uncertain significance (2). Last evaluated 2024-11-30.

Allele frequency attached by ClinVar (database versions not stated): TOPMed below 0.00001; ExAC 0.00001.
gnomAD v4.1: 2 of 1,614,174 alleles (0.00012%); no homozygotes.

Submissions (2):

Labcorp Genetics (formerly Invitae), Labcorp
Classification: Uncertain significance. Last evaluated: 2024-11-30. Review status: criteria provided, single submitter. Criteria: Invitae Variant Classification Sherloc (09022015). Collection method: clinical testing. Allele origin: germline.
Comment: This sequence change replaces aspartic acid, which is acidic and polar, with valine, which is neutral and non-polar, at codon 174 of the CSF1R protein (p.Asp174Val). This variant is present in population databases (rs758823642, gnomAD 0.006%). This variant has not been reported in the literature in individuals affected with CSF1R-related conditions. ClinVar contains an entry for this variant (Variation ID: 2655904). Invitae Evidence Modeling of protein sequence and biophysical properties (such as structural, functional, and spatial information, amino acid conservation, physicochemical variation, residue mobility, and thermodynamic stability) indicates that this missense variant is not expected to disrupt CSF1R protein function with a negative predictive value of 95%. In summary, the available evidence is currently insufficient to determine the role of this variant in disease. Therefore, it has been classified as a Variant of Uncertain Significance.

CeGaT Center for Human Genetics Tuebingen
Classification: Uncertain significance. Last evaluated: 2023-08-01. Review status: criteria provided, single submitter. Criteria: CeGaT Center For Human Genetics Tuebingen Variant Classification Criteria Version 2. Collection method: clinical testing. Allele origin: germline. Affected: yes. Observed: 1 variant allele.
Comment: CSF1R: PM2, BP4

NM_001288705.3(CSF1R):c.521A>T (p.Asp174Val)

Gene: CSF1R (colony stimulating factor 1 receptor; minus strand). Cytogenetic location: 5q32.
Variant type: single nucleotide variant.
Coding change: c.521A>T on transcript NM_001288705.3 (MANE Select); coding-DNA position 521, A replaced by T.
Protein change: p.Asp174Val; replaces aspartic acid 174 with valine.
Molecular consequence: missense variant. On other transcripts: non-coding transcript variant (2).
Genome position (GRCh38, 1-based): chr5:150,080,123, T>A on the plus strand (A>T on the coding strand, the complement: CSF1R is on the minus strand). VCF-style: chr5-150080123-T-A. GRCh37 (hg19) VCF-style: chr5-149459686-T-A.
Other names: c.521A>T, p.Asp174Val (NM_001349736.2, NM_001375320.1, NM_005211.4); c.77A>T, p.Asp26Val (NM_001375321.1); short protein forms D174V, D26V.
Identifiers: ClinVar variation 2655904 (VCV002655904.26), dbSNP rs758823642, ClinGen allele CA3507165.